The following is an entry in ClinVar:

NM_002878.4(RAD51D):c.99del (p.Ala34fs)

Genes: RAD51D (RAD51 paralog D; minus strand), RAD51L3-RFFL (RAD51L3-RFFL readthrough; minus strand). Cytogenetic location: 17q12.
Variant type: Deletion.
Coding change: c.99del on transcript NM_002878.4 (MANE Select); coding-DNA position 99, one base deleted (T; older notation c.99delT).
Protein change: p.Ala34fs; shifts the reading frame from alanine 34.
Molecular consequence: frameshift variant. On other transcripts: non-coding transcript variant (2).
Genome position (GRCh38, 1-based): chr17:35,119,156, A deleted on the plus strand (T on the coding strand, the reverse complement: RAD51D is on the minus strand). VCF-style (leftmost placement, unchanged base first): chr17-35119155-CA-C. GRCh37 (hg19) VCF-style: chr17-33446174-CA-C.
Other names: c.99del, p.Ala34fs (NM_001142571.2, NM_133629.3); short protein forms A34fs.
Identifiers: ClinVar variation 957552 (VCV000957552.7), dbSNP rs2091789001, ClinGen allele CA1139665486.
Genomic context (GRCh38, chr17:35,119,155, plus strand): 5'-GAGATCAGGAGCTCACCTTGTAAGACAAGCCACATTTCTGAGCTACCTCTTCCAGGTCTG[CA>C]GAAACCAGGTCCACCACTGAAAACAAAACACGTATAGCGGATTGGCAGAGAGGACTGGGG-3'

ClinVar aggregate classification (germline): Pathogenic (1 of 4 stars; one submission).

Conditions:
Breast-ovarian cancer, familial, susceptibility to, 4. Identifiers: Orphanet 145, MedGen C3280345, MONDO:0013669, OMIM 614291.

Submission:

Labcorp Genetics (formerly Invitae), Labcorp
Classification: Pathogenic for Breast-ovarian cancer, familial, susceptibility to, 4. Last evaluated: 2024-12-22. Review status: criteria provided, single submitter. Criteria: Invitae Variant Classification Sherloc (09022015). Collection method: clinical testing. Allele origin: germline.
Comment: This sequence change creates a premature translational stop signal (p.Ala34Glnfs*6) in the RAD51D gene. It is expected to result in an absent or disrupted protein product. Loss-of-function variants in RAD51D are known to be pathogenic (PMID: 21822267). This variant is not present in population databases (gnomAD no frequency). This variant has not been reported in the literature in individuals affected with RAD51D-related conditions. ClinVar contains an entry for this variant (Variation ID: 957552). For these reasons, this variant has been classified as Pathogenic.

Literature cited by the submitters: PubMed 21822267.